The following is an entry in ClinVar:

NC_000002.12:g.(?_32241013)_(32241145_?)del

Gene: NLRC4 (NLR family CARD domain containing 4; minus strand). Cytogenetic location: 2p22.3.
Variant type: Deletion.
Identifiers: ClinVar variation 831652 (VCV000831652.2).

ClinVar aggregate classification (germline): Uncertain significance (1 of 4 stars; one submission).

Conditions:
Periodic fever-infantile enterocolitis-autoinflammatory syndrome. Also called: Autoinflammation with infantile enterocolitis. Identifiers: Orphanet 436166, MedGen C4015067, MONDO:0014472, OMIM 616050.
Familial cold autoinflammatory syndrome 4 (FCAS4). Identifiers: Orphanet 47045, Orphanet 576349, MedGen C4015276, MONDO:0014498, OMIM 616115.

Submission:

Labcorp Genetics (formerly Invitae), Labcorp
Classification: Uncertain significance for Periodic fever-infantile enterocolitis-autoinflammatory syndrome; Familial cold autoinflammatory syndrome 4. Last evaluated: 2022-04-05. Review status: criteria provided, single submitter. Criteria: Invitae Variant Classification Sherloc (09022015). Collection method: clinical testing. Allele origin: germline.
Comment: This variant is a complex rearrangement that results in the deletion of exon 5. There is also some indication that the surrounding sequence could be disrupted, but the exact nature of this event is unknown. This variant has not been reported in the literature in individuals affected with NLRC4-related conditions. Experimental studies and prediction algorithms are not available or were not evaluated, and the functional significance of this variant is currently unknown. In summary, the available evidence is currently insufficient to determine the role of this variant in disease. Therefore, it has been classified as a Variant of Uncertain Significance.